The following is an entry in ClinVar:

NM_170606.3(KMT2C):c.6744_6755del (p.Asp2248_Gln2252delinsGlu)

Gene: KMT2C (lysine methyltransferase 2C; minus strand). Cytogenetic location: 7q36.1.
Variant type: Deletion.
Coding change: c.6744_6755del on transcript NM_170606.3 (MANE Select); coding-DNA positions 6744 to 6755, 12 bases deleted (TCCTTTCCTGCA).
Protein change: p.Asp2248_Gln2252delinsGlu.
Molecular consequence: inframe indel.
Genome position (GRCh38, 1-based): chr7:152,181,105-152,181,116, TGCAGGAAAGGA deleted on the plus strand (TCCTTTCCTGCA on the coding strand, the reverse complement: KMT2C is on the minus strand); deleting any 12 consecutive bases within chr7:152,181,105-152,181,117 gives the same sequence; the c. name uses the placement nearest the transcript's 3' end. VCF-style (leftmost placement, unchanged base first): chr7-152181104-TTGCAGGAAAGGA-T. GRCh37 (hg19) VCF-style: chr7-151878189-TTGCAGGAAAGGA-T.
Identifiers: ClinVar variation 3252714 (VCV003252714.2), dbSNP rs2487795302.

ClinVar aggregate classification (germline): Uncertain significance (1 of 4 stars; one submission).

Submission:

GeneDx
Classification: Uncertain significance. Last evaluated: 2025-03-26. Review status: criteria provided, single submitter. Criteria: GeneDx Variant Classification Process June 2021. Collection method: clinical testing. Allele origin: germline.
Comment: Not observed at significant frequency in large population cohorts (gnomAD); In-frame deletion of 5 amino acid(s) and insertion of 1 different amino acid(s) in a non-repeat region; In silico analysis supports a deleterious effect on protein structure/function; Has not been previously published as pathogenic or benign to our knowledge